The following is an entry in ClinVar:

NM_024334.3(TMEM43):c.1105C>T (p.Leu369Phe)

Gene: TMEM43 (transmembrane protein 43; plus strand). Cytogenetic location: 3p25.1.
Variant type: single nucleotide variant.
Coding change: c.1105C>T on transcript NM_024334.3 (MANE Select); coding-DNA position 1105, C replaced by T.
Protein change: p.Leu369Phe; replaces leucine 369 with phenylalanine.
Molecular consequence: missense variant.
Genome position (GRCh38, 1-based): chr3:14,141,697, C>T. VCF-style: chr3-14141697-C-T. GRCh37 (hg19) VCF-style: chr3-14183197-C-T.
Other names: p.L369F:CTC>TTC; short protein forms L369F.
Identifiers: ClinVar variation 46139 (VCV000046139.29), dbSNP rs144152046, ClinGen allele CA024584.

ClinVar aggregate classification (germline): Benign/Likely benign. Review status: criteria provided, multiple submitters, no conflicts (2 of 4 stars). 10 submissions from 10 submitters: Benign (1); Likely benign (7). 2 of the submissions do not count toward it. Last evaluated 2026-08-01.

Conditions:
TMEM43-related disorder. Also called: TMEM43-related condition.
Cardiovascular phenotype. Identifiers: MedGen CN230736.
Cardiomyopathy (CMYO). Also called: Cardiomyopathies. Identifiers: Orphanet 167848, MedGen C0878544, MONDO:0004994, HP:0001638. Inheritance: Various modes of inheritance.
Arrhythmogenic right ventricular dysplasia 5. Also called: Arrhythmogenic Right Ventricular Dysplasia/Cardiomyopathy 5; ARRHYTHMOGENIC RIGHT VENTRICULAR DYSPLASIA, FAMILIAL, 5. Identifiers: MedGen C1858379, MONDO:0011459, OMIM 604400.

Allele frequency attached by ClinVar (database versions not stated): gnomAD exomes 0.00010 and 0.00004; 1000 Genomes Project 0.00020; 1000 Genomes Project 30x 0.00031; ESP Exome Variant Server 0.00062; gnomAD 0.00040 and 0.00046; TOPMed 0.00058; ExAC 0.00011.
gnomAD v4.1: 126 of 1,614,206 alleles (0.0078%); highest among the groups gnomAD compares: African/African-American, 0.13%; no homozygotes.

Submissions (10):

CeGaT Center for Human Genetics Tuebingen
Classification: Likely benign. Last evaluated: 2026-08-01. Review status: criteria provided, single submitter. Criteria: CeGaT Center For Human Genetics Tuebingen Variant Classification Criteria Version 2. Collection method: clinical testing. Allele origin: germline. Affected: yes. Observed: 2 variant alleles.
Comment: TMEM43: BP4, BS1

Labcorp Genetics (formerly Invitae), Labcorp
Classification: Likely benign for Arrhythmogenic right ventricular dysplasia 5. Last evaluated: 2026-01-12. Review status: criteria provided, single submitter. Criteria: Invitae Variant Classification Sherloc (09022015). Collection method: clinical testing. Allele origin: germline.

Molecular Diagnostic Laboratory for Inherited Cardiovascular Disease, Montreal Heart Institute
Classification: Likely benign. Last evaluated: 2025-04-09. Review status: criteria provided, single submitter. Criteria: ACMG Guidelines, 2015. Collection method: clinical testing. Allele origin: germline. Affected: no.
Comment: BS1;BP6

PreventionGenetics, part of Exact Sciences
Classification: Likely benign for TMEM43-related condition. Last evaluated: 2025-02-14. Review status: criteria provided, single submitter. Criteria: ACMG Guidelines, 2015. Collection method: clinical testing. Allele origin: germline.
Comment: This variant is classified as likely benign based on ACMG/AMP sequence variant interpretation guidelines (Richards et al. 2015 PMID: 25741868, with internal and published modifications).

GeneDx
Classification: Likely benign. Last evaluated: 2021-02-01. Review status: criteria provided, single submitter. Criteria: GeneDx Variant Classification Process June 2021. Collection method: clinical testing. Allele origin: germline. Affected: yes.
Comment: In silico analysis, which includes protein predictors and evolutionary conservation, supports that this variant does not alter protein structure/function; This variant is associated with the following publications: (PMID: 21636032, 23812740)

Color Diagnostics, LLC DBA Color Health
Classification: Likely benign for Cardiomyopathy. Last evaluated: 2021-01-06. Review status: criteria provided, single submitter. Criteria: ACMG Guidelines, 2015. Collection method: clinical testing. Allele origin: germline.

Laboratory for Molecular Medicine, Mass General Brigham Personalized Medicine
Classification: Benign. Last evaluated: 2019-09-24. Review status: criteria provided, single submitter. Criteria: LMM Criteria. Collection method: clinical testing. Allele origin: germline. Observed: 2 variant alleles.
Comment: The p.Leu369Phe variant in TMEM43 is classified as benign because it has been identified in 0.1% (27/24964) of African chromosomes by gnomAD. Additionally, 5 species (cape elephant shrew, chicken, soft shell turtle, spiny soft shell turtle, and nile tilapia) carry a phenylalanine (Phe) at this position at this position despite high nearby amino acid conservation, suggesting that this change may be tolerated. Computational prediction tools support that this variant does not impact the protein. ACMG/AMP Criteria applied: BA1, BP4.

Ambry Genetics
Classification: Likely benign for Cardiovascular phenotype. Last evaluated: 2018-11-06. Review status: criteria provided, single submitter. Criteria: Ambry Variant Classification Scheme 2023. Collection method: clinical testing. Allele origin: germline.

Clinical Genetics, Academic Medical Center
Classification: Likely benign. Review status: no assertion criteria provided. Collection method: clinical testing. Allele origin: germline. Affected: yes. Study: VKGL Data-share Consensus. Not counted in ClinVar's aggregate classification.

Genome Diagnostics Laboratory, University Medical Center Utrecht
Classification: Likely benign. Review status: no assertion criteria provided. Collection method: clinical testing. Allele origin: germline. Affected: yes. Study: VKGL Data-share Consensus. Not counted in ClinVar's aggregate classification.

Literature cited by the submitters: PubMed 21636032 (cited by Laboratory for Molecular Medicine, Mass General Brigham Personalized Medicine).